The following is an entry in ClinVar:

ClinVar aggregate classification (germline): Uncertain significance (1 of 4 stars; one submission).

Conditions:
Brugada syndrome. Also called: Sudden Unexplained Death Syndrome; Sudden Unexplained Nocturnal Death Syndrome (SUNDS); Sudden unexpected nocturnal death syndrome; Sudden unexplained nocturnal death syndrome. Identifiers: Orphanet 130, MedGen C1142166, MONDO:0015263.

Allele frequency attached by ClinVar (database versions not stated): TOPMed 0.00001; gnomAD 0.00003.

Submission:

Labcorp Genetics (formerly Invitae), Labcorp
Classification: Uncertain significance for Brugada syndrome. Last evaluated: 2022-04-20. Review status: criteria provided, single submitter. Criteria: Invitae Variant Classification Sherloc (09022015). Collection method: clinical testing. Allele origin: germline.
Comment: This variant is present in population databases (no rsID available, gnomAD 0.01%). In summary, the available evidence is currently insufficient to determine the role of this variant in disease. Therefore, it has been classified as a Variant of Uncertain Significance. Algorithms developed to predict the effect of missense changes on protein structure and function (SIFT, PolyPhen-2, Align-GVGD) all suggest that this variant is likely to be disruptive. This variant has not been reported in the literature in individuals affected with GPD1L-related conditions. This sequence change replaces proline, which is neutral and non-polar, with serine, which is neutral and polar, at codon 96 of the GPD1L protein (p.Pro96Ser).

NM_015141.4(GPD1L):c.286C>T (p.Pro96Ser)

Gene: GPD1L (glycerol-3-phosphate dehydrogenase 1 like; plus strand). Cytogenetic location: 3p22.3.
Variant type: single nucleotide variant.
Coding change: c.286C>T on transcript NM_015141.4 (MANE Select); coding-DNA position 286, C replaced by T.
Protein change: p.Pro96Ser; replaces proline 96 with serine.
Molecular consequence: missense variant.
Genome position (GRCh38, 1-based): chr3:32,138,647, C>T. VCF-style: chr3-32138647-C-T. GRCh37 (hg19) VCF-style: chr3-32180139-C-T.
Other names: short protein forms P96S.
Identifiers: ClinVar variation 2128345 (VCV002128345.4), dbSNP rs888002540, ClinGen allele CA72567608.